The following is an entry in ClinVar:

ClinVar aggregate classification (germline): Uncertain significance (1 of 4 stars; one submission).

gnomAD v4.1: 3 of 1,566,536 alleles (0.00019%); highest among the groups gnomAD compares: Non-Finnish European, 0.00026%; no homozygotes.

Submission:

Women's Health and Genetics/Laboratory Corporation of America, LabCorp
Classification: Uncertain significance. Last evaluated: 2025-10-07. Review status: criteria provided, single submitter. Criteria: LabCorp Variant Classification Summary - May 2015. Collection method: clinical testing. Allele origin: germline.
Comment: Variant summary: NBEA c.4025G>A (p.Arg1342Gln) results in a conservative amino acid change in the encoded protein sequence. Algorithms developed to predict the effect of missense changes on protein structure and function are either unavailable or do not agree on the potential impact of this missense change. The variant allele was found at a frequency of 5.7e-06 in 176144 control chromosomes. The available data on variant occurrences in the general population are insufficient to allow any conclusion about variant significance. To our knowledge, no occurrence of c.4025G>A in individuals affected with NBEA-related conditions and no experimental evidence demonstrating its impact on protein function have been reported. No submitters have cited clinical-significance assessments for this variant to ClinVar. Based on the evidence outlined above, the variant was classified as uncertain significance.

NM_001385012.1(NBEA):c.4025G>A (p.Arg1342Gln)

Gene: NBEA (neurobeachin; plus strand). Cytogenetic location: 13q13.3.
Variant type: single nucleotide variant.
Coding change: c.4025G>A on transcript NM_001385012.1 (MANE Select); coding-DNA position 4025, G replaced by A.
Protein change: p.Arg1342Gln; replaces arginine 1342 with glutamine.
Molecular consequence: missense variant.
Genome position (GRCh38, 1-based): chr13:35,161,913, G>A. VCF-style: chr13-35161913-G-A. GRCh37 (hg19) VCF-style: chr13-35736050-G-A.
Other names: c.4025G>A, p.Arg1342Gln (NM_001379245.1, NM_015678.5); short protein forms R1342Q.
Identifiers: ClinVar variation 4687527 (VCV004687527.1).